The following is an entry in ClinVar:

NM_198904.4(GABRG2):c.71C>T (p.Thr24Met)

Gene: GABRG2 (gamma-aminobutyric acid type A receptor subunit gamma2; plus strand). Cytogenetic location: 5q34.
Variant type: single nucleotide variant.
Coding change: c.71C>T on transcript NM_198904.4 (MANE Select); coding-DNA position 71, C replaced by T.
Protein change: p.Thr24Met; replaces threonine 24 with methionine.
Molecular consequence: missense variant. On other transcripts: 5 prime UTR variant (3), intron variant (1).
Genome position (GRCh38, 1-based): chr5:162,068,070, C>T. VCF-style: chr5-162068070-C-T. GRCh37 (hg19) VCF-style: chr5-161495076-C-T.
Other names: c.71C>T, p.Thr24Met (NM_000816.3, NM_001375339.1, NM_001375340.1 and 5 more transcripts); c.5C>T, p.Thr2Met (NM_001375345.1, NM_001375346.1); c.-288C>T (NM_001375348.1, NM_001375350.1); c.-336C>T (NM_001375349.1); c.20+429C>T (NM_001375347.1); short protein forms T2M, T24M.
Identifiers: ClinVar variation 3518219 (VCV003518219.3).

ClinVar aggregate classification (germline): Uncertain significance. Review status: criteria provided, multiple submitters, no conflicts (2 of 4 stars). 3 submissions from 3 submitters: Uncertain significance (3). Last evaluated 2026-01-27.

Conditions:
Inborn genetic diseases. Identifiers: MedGen C0950123, MeSH D030342.
EPILEPSY, CHILDHOOD ABSENCE, SUSCEPTIBILITY TO, 2 (ECA2). Identifiers: Orphanet 64280, MedGen C1843244, OMIM 607681.
Febrile seizures, familial, 8 (FEB8). Also called: CONVULSIONS, FAMILIAL FEBRILE, 8. Identifiers: Orphanet 36387, MedGen C1969810, MONDO:0011891, OMIM 607681.

gnomAD v4.1: 1 of 1,612,168 alleles (0.000062%); highest among the groups gnomAD compares: Non-Finnish European, 0.000085%; no homozygotes.

Submissions (3):

Labcorp Genetics (formerly Invitae), Labcorp
Classification: Uncertain significance for Febrile seizures, familial, 8; EPILEPSY, CHILDHOOD ABSENCE, SUSCEPTIBILITY TO, 2. Last evaluated: 2026-01-27. Review status: criteria provided, single submitter. Criteria: Invitae Variant Classification Sherloc (09022015). Collection method: clinical testing. Allele origin: germline.
Comment: This sequence change replaces threonine, which is neutral and polar, with methionine, which is neutral and non-polar, at codon 24 of the GABRG2 protein (p.Thr24Met). This variant is not present in population databases (gnomAD no frequency). This variant has not been reported in the literature in individuals affected with GABRG2-related conditions. ClinVar contains an entry for this variant (Variation ID: 3518219). Invitae Evidence Modeling of protein sequence and biophysical properties (such as structural, functional, and spatial information, amino acid conservation, physicochemical variation, residue mobility, and thermodynamic stability) indicates that this missense variant is not expected to disrupt GABRG2 protein function with a negative predictive value of 95%. In summary, the available evidence is currently insufficient to determine the role of this variant in disease. Therefore, it has been classified as a Variant of Uncertain Significance.

Ambry Genetics
Classification: Uncertain significance for Inborn genetic diseases. Last evaluated: 2024-11-08. Review status: criteria provided, single submitter. Criteria: Ambry Variant Classification Scheme 2023. Collection method: clinical testing. Allele origin: germline.

GeneDx
Classification: Uncertain significance. Last evaluated: 2024-09-20. Review status: criteria provided, single submitter. Criteria: GeneDx Variant Classification Process June 2021. Collection method: clinical testing. Allele origin: germline. Affected: yes.
Comment: Not observed at significant frequency in large population cohorts (gnomAD); In silico analysis indicates that this missense variant does not alter protein structure/function; Has not been previously published as pathogenic or benign to our knowledge